The following is an entry in ClinVar:

ClinVar aggregate classification (germline): Uncertain significance (1 of 4 stars; one submission).

Conditions:
Neurodevelopmental disorder with or without seizures and gait abnormalities. Identifiers: MedGen C4693391, MONDO:0060641, OMIM 617864.

Submission:

3billion
Classification: Uncertain significance for Neurodevelopmental disorder with or without seizures and gait abnormalities. Last evaluated: 2025-10-29. Review status: criteria provided, single submitter. Criteria: ACMG Guidelines, 2015. Collection method: clinical testing. Allele origin: germline. Affected: yes.
Comment: The variant is not observed in the gnomAD v4.1.0 dataset. Predicted Consequence/Location: Missense variant. Missense changes are a common disease-causing mechanism. In silico tool predictions suggest damaging effect of the variant on gene or gene product [REVEL: 0.76 (>=0.6, sensitivity 0.68 and specificity 0.92)]. Therefore, this variant is classified as VUS according to the recommendation of ACMG/AMP guideline.

NM_000829.4(GRIA4):c.977G>A (p.Gly326Glu)

Gene: GRIA4 (glutamate ionotropic receptor AMPA type subunit 4; plus strand). Cytogenetic location: 11q22.3.
Variant type: single nucleotide variant.
Coding change: c.977G>A on transcript NM_000829.4 (MANE Select); coding-DNA position 977, G replaced by A.
Protein change: p.Gly326Glu; replaces glycine 326 with glutamic acid.
Molecular consequence: missense variant. On other transcripts: non-coding transcript variant (1).
Genome position (GRCh38, 1-based): chr11:105,903,905, G>A. VCF-style: chr11-105903905-G-A. GRCh37 (hg19) VCF-style: chr11-105774631-G-A.
Other names: c.977G>A, p.Gly326Glu (NM_001440397.1, NM_001440398.1, NM_001440399.1 and 20 more transcripts); short protein forms G326E.
Identifiers: ClinVar variation 4855132 (VCV004855132.1).